The following is an entry in ClinVar:

ClinVar aggregate classification (germline): Likely benign. Review status: criteria provided, multiple submitters, no conflicts (2 of 4 stars). 4 submissions from 4 submitters: Likely benign (4). Last evaluated 2026-01-28.

Conditions:
Inborn genetic diseases. Identifiers: MedGen C0950123, MeSH D030342.
Wilson disease (WND). Also called: Wilson's disease. Identifiers: Orphanet 905, MedGen C0019202, MONDO:0010200, OMIM 277900. Disease mechanism: loss of function.

Allele frequency attached by ClinVar (database versions not stated): ExAC 0.00001; gnomAD exomes 0.00001.
gnomAD v4.1: 11 of 1,614,120 alleles (0.00068%); highest among the groups gnomAD compares: Admixed American, 0.0067%; no homozygotes.

Submissions (4):

Labcorp Genetics (formerly Invitae), Labcorp
Classification: Likely benign for Wilson disease. Last evaluated: 2026-01-28. Review status: criteria provided, single submitter. Criteria: Invitae Variant Classification Sherloc (09022015). Collection method: clinical testing. Allele origin: germline.

All of Us Research Program, National Institutes of Health
Classification: Likely benign for Wilson disease. Last evaluated: 2023-12-01. Review status: criteria provided, single submitter. Criteria: ACMG Guidelines, 2015. Collection method: clinical testing. Allele origin: germline. Inheritance: Autosomal recessive inheritance. Observed: 5 variant alleles, 5 heterozygotes.
Comment: This study involves interpretation of variants in research participants for the purpose of population health screening. Participant phenotype was not available at the time of variant classification. Additional details can be found in publication PMID: 35346344, PMCID: PMC8962531

Ambry Genetics
Classification: Likely benign for Inborn genetic diseases. Last evaluated: 2023-08-07. Review status: criteria provided, single submitter. Criteria: Ambry Variant Classification Scheme 2023. Collection method: clinical testing. Allele origin: germline.

Color Diagnostics, LLC DBA Color Health
Classification: Likely benign for Wilson disease. Last evaluated: 2022-06-15. Review status: criteria provided, single submitter. Criteria: ACMG Guidelines, 2015. Collection method: clinical testing. Allele origin: germline.

NM_000053.4(ATP7B):c.3819G>A (p.Pro1273=)

Gene: ATP7B (ATPase copper transporting beta; minus strand). Cytogenetic location: 13q14.3.
Variant type: single nucleotide variant.
Coding change: c.3819G>A on transcript NM_000053.4 (MANE Select); coding-DNA position 3819, G replaced by A.
Protein change: p.Pro1273=; no amino-acid change (proline 1273 retained).
Molecular consequence: synonymous variant. On other transcripts: intron variant (1).
Genome position (GRCh38, 1-based): chr13:51,937,560, C>T on the plus strand (G>A on the coding strand, the complement: ATP7B is on the minus strand). VCF-style: chr13-51937560-C-T. GRCh37 (hg19) VCF-style: chr13-52511696-C-T.
Other names: c.3198G>A, p.Pro1066= (NM_001005918.3); c.3486G>A, p.Pro1162= (NM_001243182.2); c.3585G>A, p.Pro1195= (NM_001330578.2, NM_001406527.1, NM_001406528.1); c.3567G>A, p.Pro1189= (NM_001330579.2, NM_001406531.1, NM_001406532.1); c.3819G>A, p.Pro1273= (NM_001406511.1, NM_001406512.1); c.3813G>A, p.Pro1271= (NM_001406513.1); c.3786G>A, p.Pro1262= (NM_001406514.1); c.3765G>A, p.Pro1255= (NM_001406515.1, NM_001406516.1); and 22 more.
Identifiers: ClinVar variation 2142013 (VCV002142013.7), dbSNP rs752815053, ClinGen allele CA6988564.
Genomic context (GRCh38, chr13:51,937,560, plus strand): 5'-CTCGATGGCCACATCCGTGCCGGTGCCAATGGCCACACCCATGTCTGCCTGGGCCAAGGC[C>T]GGGGAGTCATTGACCCCATCCCCCACCATGGCGACTTTCTTCCCTTTATTCTGGAGCTCC-3'
Protein context (NP_000044.2, residues 1263-1283): AMVGDGVNDS[Pro1273=]ALAQADMGVA